The following is an entry in ClinVar:

NM_001200.4(BMP2):c.87C>T (p.Gly29=)

Gene: BMP2 (bone morphogenetic protein 2; plus strand). Cytogenetic location: 20p12.3.
Variant type: single nucleotide variant.
Coding change: c.87C>T on transcript NM_001200.4 (MANE Select); coding-DNA position 87, C replaced by T.
Protein change: p.Gly29=; no amino-acid change (glycine 29 retained).
Molecular consequence: synonymous variant.
Genome position (GRCh38, 1-based): chr20:6,770,213, C>T. VCF-style: chr20-6770213-C-T. GRCh37 (hg19) VCF-style: chr20-6750860-C-T.
Other names: c.87C>T (NM_001200.3).
Identifiers: ClinVar variation 1801895 (VCV001801895.3), dbSNP rs761634402, ClinGen allele CA9758594.

ClinVar aggregate classification (germline): Uncertain significance. Review status: criteria provided, single submitter (1 of 4 stars). 2 submissions from 2 submitters: Uncertain significance (1). 1 of the submissions does not count toward it. Last evaluated 2022-06-02.

Conditions:
BMP2-related disorder. Also called: BMP2-related condition.

Allele frequency attached by ClinVar (database versions not stated): TOPMed 0.00001.
gnomAD v4.1: 21 of 1,595,536 alleles (0.0013%); highest among the groups gnomAD compares: South Asian, 0.024%; no homozygotes.

Submissions (2):

GeneDx
Classification: Uncertain significance. Last evaluated: 2022-06-02. Review status: criteria provided, single submitter. Criteria: GeneDx Variant Classification Process June 2021. Collection method: clinical testing. Allele origin: germline. Affected: yes.
Comment: In silico analysis supports that this variant does not alter splicing; Has not been previously published as pathogenic or benign to our knowledge

PreventionGenetics, part of Exact Sciences
Classification: Likely benign for BMP2-related condition. Last evaluated: 2022-03-17. Review status: no assertion criteria provided. Collection method: clinical testing. Allele origin: germline. Not counted in ClinVar's aggregate classification.
Comment: This variant is classified as likely benign based on ACMG/AMP sequence variant interpretation guidelines (Richards et al. 2015 PMID: 25741868, with internal and published modifications).